The following is an entry in ClinVar:

ClinVar aggregate classification (germline): Benign. Review status: reviewed by expert panel (3 of 4 stars). 4 submissions from 3 submitters: Benign (1). 3 of the submissions do not count toward it. Last evaluated 2015-01-12.

Conditions:
Breast-ovarian cancer, familial, susceptibility to, 2 (BROVCA2). Also called: BRCA2 Hereditary Breast and Ovarian Cancer. Identifiers: Orphanet 145, MedGen C2675520, MONDO:0012933, OMIM 612555. Disease mechanism: loss of function.
Familial cancer of breast. Also called: BREAST CANCER, FAMILIAL; Hereditary breast cancer; hereditary breast carcinoma. Identifiers: Orphanet 227535, MedGen C0346153, MONDO:0016419, OMIM 114480. Disease mechanism: loss of function.

Allele frequency attached by ClinVar (database versions not stated): gnomAD exomes 0.00049; gnomAD 0.00539 and 0.00577; TOPMed 0.00600; 1000 Genomes Project 0.00619; 1000 Genomes Project 30x 0.00765.
gnomAD v4.1: 1,296 of 1,083,702 alleles (0.12%); highest among the groups gnomAD compares: African/African-American, 1.8%; 5 homozygotes.

Submissions (4):

Evidence-based Network for the Interpretation of Germline Mutant Alleles (ENIGMA)
Classification: Benign for Breast-ovarian cancer, familial 2. Last evaluated: 2015-01-12. Review status: reviewed by expert panel. Criteria: ENIGMA BRCA1/2 Classification Criteria (2015). Collection method: curation. Allele origin: germline.
Comment: Class 1 not pathogenic based on frequency >1% in an outbred sampleset. Frequency 0.02439 (African), derived from 1000 genomes (2012-04-30).

KCCC/NGS Laboratory, Kuwait Cancer Control Center
Classification: Benign for Familial cancer of breast. Last evaluated: 2025-02-01. Review status: criteria provided, single submitter. Criteria: ACMG Guidelines, 2015. Collection method: clinical testing. Allele origin: germline. Affected: no. Not counted in ClinVar's aggregate classification.

KCCC/NGS Laboratory, Kuwait Cancer Control Center
Classification: Benign for Breast-ovarian cancer, familial, susceptibility to, 2. Last evaluated: 2023-07-07. Review status: criteria provided, single submitter. Criteria: ACMG Guidelines, 2015. Collection method: clinical testing. Allele origin: germline. Affected: yes. Not counted in ClinVar's aggregate classification.

GeneDx
Classification: Likely benign. Last evaluated: 2018-06-16. Review status: criteria provided, single submitter. Criteria: GeneDx Variant Classification (06012015). Collection method: clinical testing. Allele origin: germline. Affected: yes. Not counted in ClinVar's aggregate classification.
Comment: This variant is considered likely benign or benign based on one or more of the following criteria: it is a conservative change, it occurs at a poorly conserved position in the protein, it is predicted to be benign by multiple in silico algorithms, and/or has population frequency not consistent with disease.

NM_000059.4(BRCA2):c.9257-143T>A

Gene: BRCA2 (BRCA2 DNA repair associated; plus strand). Cytogenetic location: 13q13.1.
Variant type: single nucleotide variant.
Coding change: c.9257-143T>A on transcript NM_000059.4 (MANE Select); 143 bases into the intron before coding-DNA position 9257, T replaced by A.
Molecular consequence: intron variant.
Genome position (GRCh38, 1-based): chr13:32,394,546, T>A. VCF-style: chr13-32394546-T-A. GRCh37 (hg19) VCF-style: chr13-32968683-T-A.
Other names: IVS 24-143T>A.
Identifiers: ClinVar variation 209909 (VCV000209909.3), dbSNP rs80220521, ClinGen allele CA276877.